The following is an entry in ClinVar:

ClinVar aggregate classification (germline): Uncertain significance (1 of 4 stars; one submission).

Allele frequency attached by ClinVar (database versions not stated): TOPMed 0.00001.

Submission:

Labcorp Genetics (formerly Invitae), Labcorp
Classification: Uncertain significance. Last evaluated: 2022-09-19. Review status: criteria provided, single submitter. Criteria: Invitae Variant Classification Sherloc (09022015). Collection method: clinical testing. Allele origin: germline.
Comment: In summary, the available evidence is currently insufficient to determine the role of this variant in disease. Therefore, it has been classified as a Variant of Uncertain Significance. Algorithms developed to predict the effect of missense changes on protein structure and function (SIFT, PolyPhen-2, Align-GVGD) all suggest that this variant is likely to be tolerated. This variant has not been reported in the literature in individuals affected with ATR-related conditions. This variant is not present in population databases (gnomAD no frequency). This sequence change replaces lysine, which is basic and polar, with threonine, which is neutral and polar, at codon 1865 of the ATR protein (p.Lys1865Thr).

NM_001184.4(ATR):c.5594A>C (p.Lys1865Thr)

Gene: ATR (ATR checkpoint kinase; minus strand). Cytogenetic location: 3q23.
Variant type: single nucleotide variant.
Coding change: c.5594A>C on transcript NM_001184.4 (MANE Select); coding-DNA position 5594, A replaced by C.
Protein change: p.Lys1865Thr; replaces lysine 1865 with threonine.
Molecular consequence: missense variant.
Genome position (GRCh38, 1-based): chr3:142,497,157, T>G on the plus strand (A>C on the coding strand, the complement: ATR is on the minus strand). VCF-style: chr3-142497157-T-G. GRCh37 (hg19) VCF-style: chr3-142215999-T-G.
Other names: c.5402A>C, p.Lys1801Thr (NM_001354579.2); short protein forms K1801T, K1865T.
Identifiers: ClinVar variation 1904510 (VCV001904510.5), dbSNP rs1317166906, ClinGen allele CA354814962.